The following is an entry in ClinVar:

NM_000455.5(STK11):c.1225C>A (p.Arg409=)

Gene: STK11 (serine/threonine kinase 11; plus strand). Cytogenetic location: 19p13.3.
Variant type: single nucleotide variant.
Coding change: c.1225C>A on transcript NM_000455.5 (MANE Select); coding-DNA position 1225, C replaced by A.
Protein change: p.Arg409=; no amino-acid change (arginine 409 retained).
Molecular consequence: synonymous variant.
Genome position (GRCh38, 1-based): chr19:1,226,570, C>A. VCF-style: chr19-1226570-C-A. GRCh37 (hg19) VCF-style: chr19-1226569-C-A.
Identifiers: ClinVar variation 997878 (VCV000997878.11), dbSNP rs368466538, ClinGen allele CA504708543.

ClinVar aggregate classification (germline): Benign/Likely benign. Review status: criteria provided, multiple submitters, no conflicts (2 of 4 stars). 4 submissions from 4 submitters: Benign (2); Likely benign (2). Last evaluated 2025-03-31.

Conditions:
Peutz-Jeghers syndrome (PJS). Also called: POLYPOSIS, HAMARTOMATOUS INTESTINAL; POLYPS-AND-SPOTS SYNDROME; Peutz-Jeghers polyposis; Periorificial lentiginosis syndrome. Identifiers: Orphanet 2869, MedGen C0031269, MeSH D010580, MONDO:0008280, OMIM 175200.

Allele frequency attached by ClinVar (database versions not stated): TOPMed 0.00001.
gnomAD v4.1: 1 of 1,588,206 alleles (0.000063%); highest among the groups gnomAD compares: Non-Finnish European, 0.000086%; no homozygotes.

Submissions (4):

Myriad Genetics, Inc.
Classification: Benign for Peutz-Jeghers syndrome. Last evaluated: 2025-03-31. Review status: criteria provided, single submitter. Criteria: Myriad Autosomal Dominant, Autosomal Recessive and X-Linked Classification Criteria (2023). Collection method: clinical testing. Allele origin: unknown.
Comment: This variant is considered benign. This variant is a silent/synonymous amino acid change and it is not expected to impact splicing.

Labcorp Genetics (formerly Invitae), Labcorp
Classification: Likely benign for Peutz-Jeghers syndrome. Last evaluated: 2024-11-27. Review status: criteria provided, single submitter. Criteria: Invitae Variant Classification Sherloc (09022015). Collection method: clinical testing. Allele origin: germline.

Genome-Nilou Lab
Classification: Likely benign for Peutz-Jeghers syndrome. Last evaluated: 2021-07-15. Review status: criteria provided, single submitter. Criteria: ACMG Guidelines, 2015. Collection method: clinical testing. Allele origin: germline. Affected: no.

Women's Health and Genetics/Laboratory Corporation of America, LabCorp
Classification: Benign. Last evaluated: 2021-02-12. Review status: criteria provided, single submitter. Criteria: LabCorp Variant Classification Summary - May 2015. Collection method: clinical testing. Allele origin: germline.
Comment: Variant summary: STK11 c.1225C>A alters a conserved nucleotide resulting in a synonymous change. 4/4 computational tools predict no significant impact on normal splicing. However, these predictions have yet to be confirmed by functional studies. The variant was absent in 194938 control chromosomes. The available data on variant occurrences in the general population are insufficient to allow any conclusion about variant significance. Co-occurrence with a pathogenic variant has been reported (BARD1 c.448C>T, p.Arg150Ter), providing supporting evidence for a benign role. No clinical diagnostic laboratories have submitted clinical-significance assessments for this variant to ClinVar after 2014. Based on the evidence outlined above, the variant was classified as benign.